The following is an entry in ClinVar:

ClinVar aggregate classification (germline): Uncertain significance. Review status: criteria provided, multiple submitters, no conflicts (2 of 4 stars). 2 submissions from 2 submitters: Uncertain significance (2). Last evaluated 2026-03-19.

Conditions:
Inborn genetic diseases. Identifiers: MedGen C0950123, MeSH D030342.

Submissions (2):

Ambry Genetics
Classification: Uncertain significance for Inborn genetic diseases. Last evaluated: 2026-03-19. Review status: criteria provided, single submitter. Criteria: Ambry Variant Classification Scheme 2023. Collection method: clinical testing. Allele origin: germline.

GeneDx
Classification: Uncertain significance. Last evaluated: 2022-05-11. Review status: criteria provided, single submitter. Criteria: GeneDx Variant Classification Process June 2021. Collection method: clinical testing. Allele origin: germline. Affected: yes.
Comment: Not observed at significant frequency in large population cohorts (gnomAD); In silico analysis supports that this missense variant does not alter protein structure/function; Has not been previously published as pathogenic or benign to our knowledge

NM_003106.4(SOX2):c.398C>T (p.Ala133Val)

Genes: SOX2 (SRY-box transcription factor 2; plus strand), SOX2-OT (SOX2 overlapping transcript; plus strand), LOC108281177 (SOX2 5' regulatory region; plus strand). Cytogenetic location: 3q26.33.
Variant type: single nucleotide variant.
Coding change: c.398C>T on transcript NM_003106.4 (MANE Select); coding-DNA position 398, C replaced by T.
Protein change: p.Ala133Val; replaces alanine 133 with valine.
Molecular consequence: missense variant.
Genome position (GRCh38, 1-based): chr3:181,712,758, C>T. VCF-style: chr3-181712758-C-T. GRCh37 (hg19) VCF-style: chr3-181430546-C-T.
Other names: short protein forms A133V.
Identifiers: ClinVar variation 1723828 (VCV001723828.3), dbSNP rs1392475866, ClinGen allele CA355473794.